The following is an entry in ClinVar:

NM_001256545.2(MEGF10):c.1036G>A (p.Ala346Thr)

Gene: MEGF10 (multiple EGF like domains 10; plus strand). Cytogenetic location: 5q23.2.
Variant type: single nucleotide variant.
Coding change: c.1036G>A on transcript NM_001256545.2 (MANE Select); coding-DNA position 1036, G replaced by A.
Protein change: p.Ala346Thr; replaces alanine 346 with threonine.
Molecular consequence: missense variant.
Genome position (GRCh38, 1-based): chr5:127,410,507, G>A. VCF-style: chr5-127410507-G-A. GRCh37 (hg19) VCF-style: chr5-126746199-G-A.
Other names: c.1036G>A, p.Ala346Thr (NM_001308119.2, NM_001308121.2, NM_032446.3); short protein forms A346T.
Identifiers: ClinVar variation 971099 (VCV000971099.10), dbSNP rs1764515080, ClinGen allele CA360726374.

ClinVar aggregate classification (germline): Uncertain significance (1 of 4 stars; one submission).

Conditions:
MEGF10-related myopathy (CMYO10A). Also called: Congenital myopathy 10A, severe variant. Identifiers: Orphanet 439212, MedGen C3280679, MONDO:0013731, OMIM 614399.

Submission:

Labcorp Genetics (formerly Invitae), Labcorp
Classification: Uncertain significance for MEGF10-related myopathy. Last evaluated: 2019-11-12. Review status: criteria provided, single submitter. Criteria: Invitae Variant Classification Sherloc (09022015). Collection method: clinical testing. Allele origin: germline.
Comment: This sequence change replaces alanine with threonine at codon 346 of the MEGF10 protein (p.Ala346Thr). The alanine residue is weakly conserved and there is a small physicochemical difference between alanine and threonine. In summary, the available evidence is currently insufficient to determine the role of this variant in disease. Therefore, it has been classified as a Variant of Uncertain Significance. Algorithms developed to predict the effect of missense changes on protein structure and function output the following: SIFT: "Tolerated"; PolyPhen-2: "Benign"; Align-GVGD: "Class C0". The threonine amino acid residue is found in multiple mammalian species, suggesting that this missense change does not adversely affect protein function. These predictions have not been confirmed by published functional studies and their clinical significance is uncertain. This variant has not been reported in the literature in individuals with MEGF10-related conditions. This variant is not present in population databases (ExAC no frequency).